The following is an entry in ClinVar:

NM_000266.4(NDP):c.267C>G (p.Phe89Leu)

Genes: NDP (norrin cystine knot growth factor NDP; minus strand), NDP-AS1 (NDP antisense RNA 1; plus strand). Cytogenetic location: Xp11.3.
Variant type: single nucleotide variant.
Coding change: c.267C>G on transcript NM_000266.4 (MANE Select); coding-DNA position 267, C replaced by G.
Protein change: p.Phe89Leu; replaces phenylalanine 89 with leucine.
Molecular consequence: missense variant. On other transcripts: non-coding transcript variant (1).
Genome position (GRCh38, 1-based): chrX:43,949,934, G>C on the plus strand (C>G on the coding strand, the complement: NDP is on the minus strand). VCF-style: chrX-43949934-G-C. GRCh37 (hg19) VCF-style: chrX-43809180-G-C.
Other names: short protein forms F89L.
Identifiers: ClinVar variation 378238 (VCV000378238.2), dbSNP rs1057520333, ClinGen allele CA16608479.
Genomic context (GRCh38, chrX:43,949,934, plus strand): 5'-TCGCAGCCGCAGTGCCTTCAGCTTGGAAGTCTGGGGCCGGCAGCAGTGACAGGAGGAACG[G>C]AAGGGTTGCTTGAGGACAGTGCTGAACGACACCAAAGGCTCGGAGCGTGACGCCTGGCTG-3'
Protein context (NP_000257.1, residues 79-99): VSFSTVLKQP[Phe89Leu]RSSCHCCRPQ

ClinVar aggregate classification (germline): Likely pathogenic (1 of 4 stars; one submission).

Submission:

GeneDx
Classification: Likely pathogenic. Last evaluated: 2016-12-06. Review status: criteria provided, single submitter. Criteria: GeneDx Variant Classification (06012015). Collection method: clinical testing. Allele origin: germline. Affected: yes.
Comment: The F89L missense variant in the NDP gene (resulting from a different nucleotide substitution c.267 C>A) has been reported as a variant likely to cause Norrie disease (Nikopoulos et al., 2010). The F89L variant was not observed in approximately 6,500 individuals of European and African American ancestry in the NHLBI Exome Sequencing Project, indicating it is not a common benign variant in these populations. The F89L variant is a conservative amino acid substitution, which is not likely to impact secondary protein structure as these residues share similar properties. This substitution occurs at a position that is conserved across species. In silico analysis predicts this variant is probably damaging to the protein structure/function. Missense variants in nearby residues (R90C, R90P, S92P) have been reported in the Human Gene Mutation Database in association with Norrie disease (Stenson et al., 2014). Therefore, based on the currently available information, this variant is likely pathogenic